The following is an entry in ClinVar:

ClinVar aggregate classification (germline): Uncertain significance (1 of 4 stars; one submission).

Conditions:
Hereditary sensory neuropathy-deafness-dementia syndrome. Also called: Hereditary sensory neuropathy type IE; HSN IE; NEUROPATHY, HEREDITARY SENSORY, WITH HEARING LOSS AND DEMENTIA; Hereditary Sensory and Autonomic Neuropathy Type 1E (HSAN1E). Identifiers: Orphanet 456318, MedGen C3279885, MONDO:0013584, OMIM 614116.

Submission:

Labcorp Genetics (formerly Invitae), Labcorp
Classification: Uncertain significance for Hereditary sensory neuropathy-deafness-dementia syndrome. Last evaluated: 2021-02-24. Review status: criteria provided, single submitter. Criteria: Invitae Variant Classification Sherloc (09022015). Collection method: clinical testing. Allele origin: germline.
Comment: In summary, the available evidence is currently insufficient to determine the role of this variant in disease. Therefore, it has been classified as a Variant of Uncertain Significance. Experimental studies and prediction algorithms are not available or were not evaluated, and the functional significance of this variant is currently unknown. This variant has not been reported in the literature in individuals with DNMT1-related conditions. This variant is not present in population databases (ExAC no frequency). This variant, c.1978_1980del, results in the deletion of 1 amino acid(s) of the DNMT1 protein (p.Lys660del), but otherwise preserves the integrity of the reading frame.

NM_001130823.3(DNMT1):c.1978_1980del (p.Lys660del)

Gene: DNMT1 (DNA methyltransferase 1; minus strand). Cytogenetic location: 19p13.2.
Variant type: Deletion.
Coding change: c.1978_1980del on transcript NM_001130823.3 (MANE Select); coding-DNA positions 1978 to 1980, 3 bases deleted (AAG; older notation c.1978_1980delAAG).
Protein change: p.Lys660del; deletes lysine 660.
Molecular consequence: inframe deletion.
Genome position (GRCh38, 1-based): chr19:10,154,332-10,154,334, CTT deleted on the plus strand (AAG on the coding strand, the reverse complement: DNMT1 is on the minus strand). VCF-style (leftmost placement, unchanged base first): chr19-10154331-CCTT-C. GRCh37 (hg19) VCF-style: chr19-10265007-CCTT-C.
Other names: c.1930_1932del, p.Lys644del (NM_001318730.2, NM_001379.4); c.1615_1617del, p.Lys539del (NM_001318731.2); short protein forms K660del, K644del, K539del.
Identifiers: ClinVar variation 1375593 (VCV001375593.8), dbSNP rs2145307223, ClinGen allele CA2573155526.
Genomic context (GRCh38, chr19:10,154,331, plus strand): 5'-GAGCACCCACAGGTGAGGTTACCTCACAGACGCCACATCGCCGGCGCTTAAAGGCGTTCT[CCTT>C]GTCTTCTCTGTCATCCTTTTCAATTTGCTCTGCGAAGAAAGTATCGAAGATCTGGTAGAC-3'